The following is an entry in ClinVar:

NM_005751.5(AKAP9):c.4769T>G (p.Met1590Arg)

Gene: AKAP9 (A-kinase anchoring protein 9; plus strand). Cytogenetic location: 7q21.2.
Variant type: single nucleotide variant.
Coding change: c.4769T>G on transcript NM_005751.5 (MANE Select); coding-DNA position 4769, T replaced by G.
Protein change: p.Met1590Arg; replaces methionine 1590 with arginine.
Molecular consequence: missense variant.
Genome position (GRCh38, 1-based): chr7:92,040,750, T>G. VCF-style: chr7-92040750-T-G. GRCh37 (hg19) VCF-style: chr7-91670064-T-G.
Other names: c.4769T>G, p.Met1590Arg (NM_147185.3); short protein forms M1590R.
Identifiers: ClinVar variation 526995 (VCV000526995.8), dbSNP rs780941891, ClinGen allele CA368129531.

ClinVar aggregate classification (germline): Uncertain significance (1 of 4 stars; one submission).

Conditions:
Long QT syndrome (LQTS). Identifiers: MedGen C0023976, MeSH D008133, MONDO:0002442. Disease mechanism: loss of function. Inheritance: Various modes of inheritance.

Submission:

Labcorp Genetics (formerly Invitae), Labcorp
Classification: Uncertain significance for Long QT syndrome. Last evaluated: 2017-11-30. Review status: criteria provided, single submitter. Criteria: Invitae Variant Classification Sherloc (09022015). Collection method: clinical testing. Allele origin: germline.
Comment: In summary, the available evidence is currently insufficient to determine the role of this variant in disease. Therefore, it has been classified as a Variant of Uncertain Significance. Algorithms developed to predict the effect of missense changes on protein structure and function do not agree on the potential impact of this missense change (SIFT: "Deleterious"; PolyPhen-2: "Probably Damaging"; Align-GVGD: "Class C0"). This variant has not been reported in the literature in individuals with AKAP9-related disease. This variant is not present in population databases (ExAC no frequency). This sequence change replaces methionine with arginine at codon 1590 of the AKAP9 protein (p.Met1590Arg). The methionine residue is moderately conserved and there is a moderate physicochemical difference between methionine and arginine.